The following is an entry in ClinVar:

ClinVar aggregate classification (germline): Uncertain significance (1 of 4 stars; one submission).

Allele frequency attached by ClinVar (database versions not stated): ExAC 0.00001.

Submission:

Labcorp Genetics (formerly Invitae), Labcorp
Classification: Uncertain significance. Last evaluated: 2022-05-05. Review status: criteria provided, single submitter. Criteria: Invitae Variant Classification Sherloc (09022015). Collection method: clinical testing. Allele origin: germline.
Comment: This sequence change replaces aspartic acid, which is acidic and polar, with asparagine, which is neutral and polar, at codon 116 of the SAR1B protein (p.Asp116Asn). This variant is present in population databases (rs765678861, gnomAD 0.0009%). This variant has not been reported in the literature in individuals affected with SAR1B-related conditions. Algorithms developed to predict the effect of missense changes on protein structure and function are either unavailable or do not agree on the potential impact of this missense change (SIFT: "Deleterious"; PolyPhen-2: "Benign"; Align-GVGD: "Class C0"). In summary, the available evidence is currently insufficient to determine the role of this variant in disease. Therefore, it has been classified as a Variant of Uncertain Significance.

NM_016103.4(SAR1B):c.346G>A (p.Asp116Asn)

Gene: SAR1B (secretion associated Ras related GTPase 1B; minus strand). Cytogenetic location: 5q31.1.
Variant type: single nucleotide variant.
Coding change: c.346G>A on transcript NM_016103.4 (MANE Select); coding-DNA position 346, G replaced by A.
Protein change: p.Asp116Asn; replaces aspartic acid 116 with asparagine.
Molecular consequence: missense variant.
Genome position (GRCh38, 1-based): chr5:134,609,573, C>T on the plus strand (G>A on the coding strand, the complement: SAR1B is on the minus strand). VCF-style: chr5-134609573-C-T. GRCh37 (hg19) VCF-style: chr5-133945263-C-T.
Other names: c.346G>A, p.Asp116Asn (NM_001033503.3); short protein forms D116N.
Identifiers: ClinVar variation 1986276 (VCV001986276.4), dbSNP rs765678861, ClinGen allele CA3414474.